The following is an entry in ClinVar:

NM_001723.7(DST):c.6677C>T (p.Ser2226Leu)

Gene: DST (dystonin; minus strand). Cytogenetic location: 6p12.1.
Variant type: single nucleotide variant.
Coding change: c.6677C>T on transcript NM_001723.7 (MANE Plus Clinical); coding-DNA position 6677, C replaced by T.
Protein change: p.Ser2226Leu; replaces serine 2226 with leucine.
Molecular consequence: missense variant. On other transcripts: intron variant (10).
Genome position (GRCh38, 1-based): chr6:56,616,790, G>A on the plus strand (C>T on the coding strand, the complement: DST is on the minus strand). VCF-style: chr6-56616790-G-A. GRCh37 (hg19) VCF-style: chr6-56481588-G-A.
Other names: c.4831-2306C>T (NM_001144769.5); c.4930-2306C>T (NM_001374722.1, NM_001374736.1); c.4957-2306C>T (NM_001374734.1); c.4417-2306C>T (NM_001144770.2); c.4297-2306C>T (NM_001374730.1, NM_001386100.1, NM_183380.4 and 1 more transcripts); c.3319-2306C>T (NM_015548.5); short protein forms S2226L.
Identifiers: ClinVar variation 1360271 (VCV001360271.8), dbSNP rs768014030, ClinGen allele CA3870115.
Genomic context (GRCh38, chr6:56,616,790, plus strand): 5'-TCCAAGATATGTTTACCTTTTTGTCTGTCAAGCATTCTATTTTCCATAGCTTGAAACACT[G>A]ACAATGTCTTAGAAGAATAAGAATATCCCACAGCTGCCTTCTCTGCCTCAAGAAGCCTAA-3'
Protein context (NP_001714.1, residues 2216-2236): VGYSYSSKTL[Ser2226Leu]VFQAMENRML

ClinVar aggregate classification (germline): Uncertain significance (1 of 4 stars; one submission).

Conditions:
Hereditary sensory and autonomic neuropathy type 6. Also called: Neuropathy, hereditary sensory and autonomic, type VI; HSAN VI. Identifiers: Orphanet 314381, MedGen C3539003, MONDO:0013839, OMIM 614653.
Epidermolysis bullosa simplex 3, localized or generalized intermediate, with BP230 deficiency (EBS3). Also called: Epidermolysis bullosa simplex due to BP230 deficiency; Epidermolysis bullosa simplex, autosomal recessive 2. Identifiers: Orphanet 412181, MedGen C3809470, MONDO:0014180, OMIM 615425.

Allele frequency attached by ClinVar (database versions not stated): gnomAD exomes below 0.00001; ExAC 0.00001; gnomAD 0.00001.
gnomAD v4.1: 3 of 1,614,086 alleles (0.00019%); highest among the groups gnomAD compares: South Asian, 0.0011%; no homozygotes.

Submission:

Labcorp Genetics (formerly Invitae), Labcorp
Classification: Uncertain significance for Epidermolysis bullosa simplex 3, localized or generalized intermediate, with BP230 deficiency; Hereditary sensory and autonomic neuropathy type 6. Last evaluated: 2020-12-26. Review status: criteria provided, single submitter. Criteria: Invitae Variant Classification Sherloc (09022015). Collection method: clinical testing. Allele origin: germline.
Comment: In summary, the available evidence is currently insufficient to determine the role of this variant in disease. Therefore, it has been classified as a Variant of Uncertain Significance. Algorithms developed to predict the effect of missense changes on protein structure and function are either unavailable or do not agree on the potential impact of this missense change (SIFT: "Deleterious"; PolyPhen-2: "Possibly Damaging"; Align-GVGD: "Class C15"). This variant has not been reported in the literature in individuals with DST-related conditions. This variant is present in population databases (rs768014030, ExAC 0.002%). This sequence change replaces serine with leucine at codon 2226 of the DST protein (p.Ser2226Leu). The serine residue is weakly conserved and there is a large physicochemical difference between serine and leucine.